The following is an entry in ClinVar:

ClinVar aggregate classification (germline): Uncertain significance (1 of 4 stars; one submission).

Conditions:
Imerslund-Grasbeck syndrome. Also called: ENTEROCYTE COBALAMIN MALABSORPTION; ENTEROCYTE INTRINSIC FACTOR RECEPTOR, DEFECT OF; PERNICIOUS ANEMIA, JUVENILE, DUE TO SELECTIVE INTESTINAL MALABSORPTION OF VITAMIN B12, WITH PROTEINURIA; Megaloblastic anemia due to inborn errors of metabolism; Imerslund-Gräsbeck syndrome. Identifiers: Orphanet 35858, MedGen C4551825, MONDO:0009853.

gnomAD v4.1: 8 of 1,612,806 alleles (0.0005%); highest among the groups gnomAD compares: South Asian, 0.0088%; no homozygotes.

Submission:

Labcorp Genetics (formerly Invitae), Labcorp
Classification: Uncertain significance for Imerslund-Grasbeck syndrome. Last evaluated: 2025-06-08. Review status: criteria provided, single submitter. Criteria: Invitae Variant Classification Sherloc (09022015). Collection method: clinical testing. Allele origin: germline.
Comment: This sequence change replaces serine, which is neutral and polar, with arginine, which is basic and polar, at codon 793 of the CUBN protein (p.Ser793Arg). This variant is present in population databases (rs767796430, gnomAD 0.01%). This variant has not been reported in the literature in individuals affected with CUBN-related conditions. Invitae Evidence Modeling of protein sequence and biophysical properties (such as structural, functional, and spatial information, amino acid conservation, physicochemical variation, residue mobility, and thermodynamic stability) indicates that this missense variant is not expected to disrupt CUBN protein function with a negative predictive value of 80%. In summary, the available evidence is currently insufficient to determine the role of this variant in disease. Therefore, it has been classified as a Variant of Uncertain Significance.

NM_001081.4(CUBN):c.2377A>C (p.Ser793Arg)

Gene: CUBN (cubilin; minus strand). Cytogenetic location: 10p13.
Variant type: single nucleotide variant.
Coding change: c.2377A>C on transcript NM_001081.4 (MANE Select); coding-DNA position 2377, A replaced by C.
Protein change: p.Ser793Arg; replaces serine 793 with arginine.
Molecular consequence: missense variant.
Genome position (GRCh38, 1-based): chr10:17,071,896, T>G on the plus strand (A>C on the coding strand, the complement: CUBN is on the minus strand). VCF-style: chr10-17071896-T-G. GRCh37 (hg19) VCF-style: chr10-17113895-T-G.
Other names: short protein forms S793R.
Identifiers: ClinVar variation 4703296 (VCV004703296.1).